The following is an entry in ClinVar:

ClinVar aggregate classification (germline): Pathogenic (1 of 4 stars; one submission).

Conditions:
Neurofibromatosis, type 1 (NF1). Also called: VON RECKLINGHAUSEN DISEASE; Peripheral type neurofibromatosis; Neurofibromatosis, type I; NEUROFIBROMATOSIS, TYPE I, SOMATIC. Identifiers: Orphanet 636, MedGen C0027831, MONDO:0018975, OMIM 162200. Disease mechanism: loss of function.

Submission:

Labcorp Genetics (formerly Invitae), Labcorp
Classification: Pathogenic for Neurofibromatosis, type 1. Last evaluated: 2023-02-24. Review status: criteria provided, single submitter. Criteria: Invitae Variant Classification Sherloc (09022015). Collection method: clinical testing. Allele origin: germline.
Comment: For these reasons, this variant has been classified as Pathogenic. This sequence change creates a premature translational stop signal (p.Leu2622*) in the NF1 gene. It is expected to result in an absent or disrupted protein product. Loss-of-function variants in NF1 are known to be pathogenic (PMID: 10712197, 23913538). This variant is not present in population databases (gnomAD no frequency). This variant has not been reported in the literature in individuals affected with NF1-related conditions.

Literature cited by the submitters: PubMed 10712197; PubMed 23913538.

NM_001042492.3(NF1):c.7928del (p.Tyr2642_Leu2643insTer)

Gene: NF1 (neurofibromin 1; plus strand). Cytogenetic location: 17q11.2.
Variant type: Deletion.
Coding change: c.7928del on transcript NM_001042492.3 (MANE Select); coding-DNA position 7928, one base deleted (T; older notation c.7928delT).
Protein change: p.Tyr2642_Leu2643insTer.
Molecular consequence: nonsense. On other transcripts: frameshift variant (1).
Genome position (GRCh38, 1-based): chr17:31,357,327, T deleted; the last of 2 consecutive T bases (chr17:31,357,326-31,357,327); deleting either gives the same sequence. VCF-style (leftmost placement, unchanged base first): chr17-31357325-CT-C. GRCh37 (hg19) VCF-style: chr17-29684343-CT-C.
Other names: c.7865delT, p.Leu2622Terfs (NM_000267.4).
Identifiers: ClinVar variation 2826202 (VCV002826202.3), dbSNP rs2508830129, ClinGen allele CA2739267295.